The following is an entry in ClinVar:

ClinVar aggregate classification (germline): Pathogenic. Review status: criteria provided, single submitter (1 of 4 stars). 2 submissions from 2 submitters: Pathogenic (1). 1 of the submissions does not count toward it. Last evaluated 2024-12-16.

Conditions:
Wagner disease. Also called: Wagner Vitreoretinal Degeneration (Wagner Synrdome); HYALOIDEORETINAL DEGENERATION OF WAGNER; Wagner syndrome; WAGNER VITREORETINAL DEGENERATION; WAGNER SYNDROME 1; WAGNER VITREORETINOPATHY. Identifiers: Orphanet 898, MedGen C1840452, MONDO:0007740, OMIM 143200.

Submissions (2):

Labcorp Genetics (formerly Invitae), Labcorp
Classification: Pathogenic. Last evaluated: 2024-12-16. Review status: criteria provided, single submitter. Criteria: Invitae Variant Classification Sherloc (09022015). Collection method: clinical testing. Allele origin: germline.
Comment: This sequence change affects an acceptor splice site in intron 7 of the VCAN gene. RNA analysis indicates that disruption of this splice site induces altered splicing and likely results in the loss of 13 amino acid residue(s), but is expected to preserve the integrity of the reading-frame. This variant is not present in population databases (gnomAD no frequency). Disruption of this splice site has been observed in individuals with Wagner syndrome (PMID: 16043844, 21738396, 23462753, 32623950). It has also been observed to segregate with disease in related individuals. ClinVar contains an entry for this variant (Variation ID: 219011). Studies have shown that disruption of this splice site results in the activation of a cryptic splice site in exon 8 (PMID: 16043844, 16877430, 21738396). For these reasons, this variant has been classified as Pathogenic.

GeneReviews
No classification provided. Condition: Wagner disease. Review status: no classification provided. Collection method: literature only. Allele origin: germline. Affected: yes. Not counted in ClinVar's aggregate classification.

Literature cited by the submitters: PubMed 16043844 (cited by Labcorp Genetics (formerly Invitae), Labcorp); PubMed 21738396 (cited by Labcorp Genetics (formerly Invitae), Labcorp); PubMed 23462753 (cited by Labcorp Genetics (formerly Invitae), Labcorp and GeneReviews); PubMed 32623950 (cited by Labcorp Genetics (formerly Invitae), Labcorp); PubMed 16877430 (cited by Labcorp Genetics (formerly Invitae), Labcorp); NCBI Bookshelf NBK3821 (cited by GeneReviews).

NM_004385.5(VCAN):c.4004-1G>T

Genes: VCAN (versican; plus strand), VCAN-AS1 (VCAN antisense RNA 1; minus strand). Cytogenetic location: 5q14.3.
Variant type: single nucleotide variant.
Coding change: c.4004-1G>T on transcript NM_004385.5 (MANE Select); the canonical splice acceptor site of the intron before coding-DNA position 4004, G replaced by T.
Molecular consequence: splice acceptor variant. On other transcripts: intron variant (2).
Genome position (GRCh38, 1-based): chr5:83,537,006, G>T. VCF-style: chr5-83537006-G-T. GRCh37 (hg19) VCF-style: chr5-82832825-G-T.
Other names: c.4004-8531G>T (NM_001164098.2); c.1043-1G>T (NM_001164097.2); c.1043-8531G>T (NM_001126336.3).
Identifiers: ClinVar variation 219011 (VCV000219011.5), dbSNP rs80356554, ClinGen allele CA347855.